The following is an entry in ClinVar:

NM_021008.4(DEAF1):c.1633G>C (p.Ala545Pro)

Gene: DEAF1 (DEAF1 transcription factor; minus strand). Cytogenetic location: 11p15.5.
Variant type: single nucleotide variant.
Coding change: c.1633G>C on transcript NM_021008.4 (MANE Select); coding-DNA position 1633, G replaced by C.
Protein change: p.Ala545Pro; replaces alanine 545 with proline.
Molecular consequence: missense variant.
Genome position (GRCh38, 1-based): chr11:644,615, C>G on the plus strand (G>C on the coding strand, the complement: DEAF1 is on the minus strand). VCF-style: chr11-644615-C-G. GRCh37 (hg19) VCF-style: chr11-644615-C-G.
Other names: c.1408G>C, p.Ala470Pro (NM_001293634.2); c.907G>C, p.Ala303Pro (NM_001367390.1); short protein forms A470P, A545P, A303P.
Identifiers: ClinVar variation 3639254 (VCV003639254.2).

ClinVar aggregate classification (germline): Uncertain significance (1 of 4 stars; one submission).

gnomAD v4.1: 2 of 1,612,900 alleles (0.00012%); highest among the groups gnomAD compares: Non-Finnish European, 0.00017%; no homozygotes.

Submission:

Labcorp Genetics (formerly Invitae), Labcorp
Classification: Uncertain significance. Last evaluated: 2024-02-12. Review status: criteria provided, single submitter. Criteria: Invitae Variant Classification Sherloc (09022015). Collection method: clinical testing. Allele origin: germline.
Comment: This sequence change replaces alanine, which is neutral and non-polar, with proline, which is neutral and non-polar, at codon 545 of the DEAF1 protein (p.Ala545Pro). This variant is not present in population databases (gnomAD no frequency). This variant has not been reported in the literature in individuals affected with DEAF1-related conditions. Advanced modeling of protein sequence and biophysical properties (such as structural, functional, and spatial information, amino acid conservation, physicochemical variation, residue mobility, and thermodynamic stability) performed at Invitae indicates that this missense variant is not expected to disrupt DEAF1 protein function with a negative predictive value of 80%. In summary, the available evidence is currently insufficient to determine the role of this variant in disease. Therefore, it has been classified as a Variant of Uncertain Significance.